The following is an entry in ClinVar:

ClinVar aggregate classification (germline): Conflicting classifications of pathogenicity. Review status: criteria provided, conflicting classifications (1 of 4 stars). 7 submissions from 7 submitters: Uncertain significance (1); Benign (2); Likely benign (3). 1 of the submissions does not count toward it. Last evaluated 2026-08-01.

Conditions:
SMPX-related disorder. Also called: SMPX-related condition.
Hearing loss, X-linked 4 (DFNX4). Also called: DEAFNESS, NONSYNDROMIC SENSORINEURAL PROGRESSIVE 6; DEAFNESS, X-LINKED 6, PROGRESSIVE. Identifiers: Orphanet 90625, MedGen C1848204, MONDO:0010238, OMIM 300066.

Allele frequency attached by ClinVar (database versions not stated): ESP Exome Variant Server 0.00009; 1000 Genomes Project 30x 0.00021; 1000 Genomes Project 0.00026; ExAC 0.00040; gnomAD exomes 0.00040 and 0.00065; TOPMed 0.00048; gnomAD 0.00052.
gnomAD v4.1: 756 of 1,198,986 alleles (0.063%); highest among the groups gnomAD compares: Non-Finnish European, 0.082%; 1 homozygote.

Submissions (7):

CeGaT Center for Human Genetics Tuebingen
Classification: Likely benign. Last evaluated: 2026-08-01. Review status: criteria provided, single submitter. Criteria: CeGaT Center For Human Genetics Tuebingen Variant Classification Criteria Version 2. Collection method: clinical testing. Allele origin: germline. Affected: yes. Observed: 2 variant alleles.
Comment: SMPX: PP3, BS2

Labcorp Genetics (formerly Invitae), Labcorp
Classification: Benign. Last evaluated: 2026-01-21. Review status: criteria provided, single submitter. Criteria: Invitae Variant Classification Sherloc (09022015). Collection method: clinical testing. Allele origin: germline.

GeneDx
Classification: Uncertain significance. Last evaluated: 2025-07-21. Review status: criteria provided, single submitter. Criteria: GeneDx Variant Classification Process June 2021. Collection method: clinical testing. Allele origin: germline. Affected: yes.
Comment: Non-canonical splice site variant at the last nucleotide of exon 3 predicted to destroy the natural splice donor site to result in an in-frame deletion of exon 3; This variant is associated with the following publications: (PMID: 26969326, 28000701, 24123792)

Blueprint Genetics
Classification: Likely benign. Last evaluated: 2024-09-18. Review status: criteria provided, single submitter. Criteria: ACMG Guidelines, 2015. Collection method: clinical testing. Allele origin: germline.

Illumina Laboratory Services, Illumina
Classification: Benign for Deafness, X-linked 4. Last evaluated: 2018-01-13. Review status: criteria provided, single submitter. Criteria: ICSL Variant Classification Criteria 13 December 2019. Collection method: clinical testing. Allele origin: germline.
Comment: This variant was observed in the ICSL laboratory as part of a predisposition screen in an ostensibly healthy population. It had not been previously curated by ICSL or reported in the Human Gene Mutation Database (HGMD: prior to June 1st, 2018), and was therefore a candidate for classification through an automated scoring system. Utilizing variant allele frequency, disease prevalence and penetrance estimates, and inheritance mode, an automated score was calculated to assess if this variant is too frequent to cause the disease. Based on the score and internal cut-off values, a variant classified as benign is not then subjected to further curation. The score for this variant resulted in a classification of benign for this disease.

Center for Pediatric Genomic Medicine, Children's Mercy Hospital and Clinics
Classification: Likely benign. Last evaluated: 2017-09-18. Review status: criteria provided, single submitter. Criteria: ACMG Guidelines, 2015. Collection method: clinical testing. Allele origin: germline.

PreventionGenetics, part of Exact Sciences
Classification: Likely benign for SMPX-related condition. Last evaluated: 2020-01-13. Review status: no assertion criteria provided. Collection method: clinical testing. Allele origin: germline. Not counted in ClinVar's aggregate classification.
Comment: This variant is classified as likely benign based on ACMG/AMP sequence variant interpretation guidelines (Richards et al. 2015 PMID: 25741868, with internal and published modifications).

NM_014332.3(SMPX):c.132G>A (p.Glu44=)

Gene: SMPX (small muscle protein X-linked; minus strand). Cytogenetic location: Xp22.12.
Variant type: single nucleotide variant.
Coding change: c.132G>A on transcript NM_014332.3 (MANE Select); coding-DNA position 132, G replaced by A.
Protein change: p.Glu44=; no amino-acid change (glutamic acid 44 retained).
Molecular consequence: synonymous variant. On other transcripts: non-coding transcript variant (1).
Genome position (GRCh38, 1-based): chrX:21,743,750, C>T on the plus strand (G>A on the coding strand, the complement: SMPX is on the minus strand). VCF-style: chrX-21743750-C-T. GRCh37 (hg19) VCF-style: chrX-21761868-C-T.
Identifiers: ClinVar variation 368152 (VCV000368152.28), dbSNP rs199907508, ClinGen allele CA10367224.